The following is an entry in ClinVar:

ClinVar aggregate classification (germline): Uncertain significance (1 of 4 stars; one submission).

Submission:

CeGaT Center for Human Genetics Tuebingen
Classification: Uncertain significance. Last evaluated: 2025-09-01. Review status: criteria provided, single submitter. Criteria: CeGaT Center For Human Genetics Tuebingen Variant Classification Criteria Version 2. Collection method: clinical testing. Allele origin: germline. Affected: yes. Observed: 1 variant allele.
Comment: KCNQ5: PM2, PP2, PP3

NM_019842.4(KCNQ5):c.1709G>A (p.Arg570His)

Gene: KCNQ5 (potassium voltage-gated channel subfamily Q member 5; plus strand). Cytogenetic location: 6q13.
Variant type: single nucleotide variant.
Coding change: c.1709G>A on transcript NM_019842.4 (MANE Select); coding-DNA position 1709, G replaced by A.
Protein change: p.Arg570His; replaces arginine 570 with histidine.
Molecular consequence: missense variant.
Genome position (GRCh38, 1-based): chr6:73,190,704, G>A. VCF-style: chr6-73190704-G-A. GRCh37 (hg19) VCF-style: chr6-73900427-G-A.
Other names: c.1682G>A, p.Arg561His (NM_001160130.2); c.1739G>A, p.Arg580His (NM_001160132.2); c.1766G>A, p.Arg589His (NM_001160133.2); c.1379G>A, p.Arg460His (NM_001160134.2); short protein forms R460H, R561H, R570H, R580H, R589H.
Identifiers: ClinVar variation 4281434 (VCV004281434.7).
Genomic context (GRCh38, chr6:73,190,704, plus strand): 5'-TTGAACAATATTCTGCTGGTCATCTGGACATGTTGTGTAGAATTAAAAGCCTTCAAACAC[G>A]GTAAGCAATGGAAATGTCATTCCTTGTAAAGGAATGGGCATAGAACCTATCTAGGAAGAA-3'
Protein context (NP_062816.2, residues 560-580): MLCRIKSLQT[Arg570His]VDQILGKGQI